The following is an entry in ClinVar:

ClinVar aggregate classification (germline): Uncertain significance (1 of 4 stars; one submission).

Submission:

CeGaT Center for Human Genetics Tuebingen
Classification: Uncertain significance. Last evaluated: 2026-09-01. Review status: criteria provided, single submitter. Criteria: CeGaT Center For Human Genetics Tuebingen Variant Classification Criteria Version 2. Collection method: clinical testing. Allele origin: germline. Affected: yes. Observed: 1 variant allele.
Comment: SLITRK2: PM2, PP3

NM_032539.5(SLITRK2):c.1598G>T (p.Cys533Phe)

Gene: SLITRK2 (SLIT and NTRK like family member 2; plus strand). Cytogenetic location: Xq27.3.
Variant type: single nucleotide variant.
Coding change: c.1598G>T on transcript NM_032539.5 (MANE Select); coding-DNA position 1598, G replaced by T.
Protein change: p.Cys533Phe; replaces cysteine 533 with phenylalanine.
Molecular consequence: missense variant.
Genome position (GRCh38, 1-based): chrX:145,824,023, G>T. VCF-style: chrX-145824023-G-T. GRCh37 (hg19) VCF-style: chrX-144905541-G-T.
Other names: c.1598G>T, p.Cys533Phe (NM_001144003.3, NM_001144004.3, NM_001144005.3 and 4 more transcripts); short protein forms C533F.
Identifiers: ClinVar variation 5041689 (VCV005041689.1).